The following is an entry in ClinVar:

NM_001356.5(DDX3X):c.444-10T>C

Gene: DDX3X (DEAD-box helicase 3 X-linked; plus strand). Cytogenetic location: Xp11.4.
Variant type: single nucleotide variant.
Coding change: c.444-10T>C on transcript NM_001356.5 (MANE Select); 10 bases into the intron before coding-DNA position 444, T replaced by C.
Molecular consequence: intron variant.
Genome position (GRCh38, 1-based): chrX:41,342,727, T>C. VCF-style: chrX-41342727-T-C. GRCh37 (hg19) VCF-style: chrX-41201980-T-C.
Other names: c.444-10T>C (NM_001193416.3); c.396-10T>C (NM_001193417.3); c.-115-10T>C (NM_001363819.1).
Identifiers: ClinVar variation 1309154 (VCV001309154.2), dbSNP rs2147350799, ClinGen allele CA2573055312.

ClinVar aggregate classification (germline): Uncertain significance (1 of 4 stars; one submission).

Submission:

GeneDx
Classification: Uncertain significance. Last evaluated: 2019-10-09. Review status: criteria provided, single submitter. Criteria: GeneDx Variant Classification Process June 2021. Collection method: clinical testing. Allele origin: germline. Affected: yes.
Comment: Not observed in large population cohorts (Lek et al., 2016); Has not been previously published as pathogenic or benign to our knowledge; In-silico analysis, which includes splice predictors and evolutionary conservation, is inconclusive as to whether the variant alters gene splicing. In the absence of RNA/functional studies, the actual effect of this sequence change is unknown